The following is an entry in ClinVar:

ClinVar aggregate classification (germline): Uncertain significance (1 of 4 stars; one submission).

Submission:

Labcorp Genetics (formerly Invitae), Labcorp
Classification: Uncertain significance. Last evaluated: 2026-01-05. Review status: criteria provided, single submitter. Criteria: Invitae Variant Classification Sherloc (09022015). Collection method: clinical testing. Allele origin: germline.
Comment: This sequence change replaces histidine, which is basic and polar, with asparagine, which is neutral and polar, at codon 112 of the CUL3 protein (p.His112Asn). This variant is not present in population databases (gnomAD no frequency). This variant has not been reported in the literature in individuals affected with CUL3-related conditions. Invitae Evidence Modeling of protein sequence and biophysical properties (such as structural, functional, and spatial information, amino acid conservation, physicochemical variation, residue mobility, and thermodynamic stability) indicates that this missense variant is expected to disrupt CUL3 protein function with a positive predictive value of 95%. In summary, the available evidence is currently insufficient to determine the role of this variant in disease. Therefore, it has been classified as a Variant of Uncertain Significance.

NM_003590.5(CUL3):c.334C>A (p.His112Asn)

Gene: CUL3 (cullin 3; minus strand). Cytogenetic location: 2q36.2.
Variant type: single nucleotide variant.
Coding change: c.334C>A on transcript NM_003590.5 (MANE Select); coding-DNA position 334, C replaced by A.
Protein change: p.His112Asn; replaces histidine 112 with asparagine.
Molecular consequence: missense variant.
Genome position (GRCh38, 1-based): chr2:224,535,572, G>T on the plus strand (C>A on the coding strand, the complement: CUL3 is on the minus strand). VCF-style: chr2-224535572-G-T. GRCh37 (hg19) VCF-style: chr2-225400289-G-T.
Other names: c.136C>A, p.His46Asn (NM_001257197.2); c.352C>A, p.His118Asn (NM_001257198.2); short protein forms H112N, H46N, H118N.
Identifiers: ClinVar variation 4747307 (VCV004747307.1).